The following is an entry in ClinVar:

ClinVar aggregate classification (germline): Uncertain significance (1 of 4 stars; one submission).

Conditions:
Aortic aneurysm, familial thoracic 6 (AAT6). Also called: FAMILIAL THORACIC AORTIC ANEURYSM WITH LIVEDO RETICULARIS AND IRIS FLOCCULI. Identifiers: MedGen C2673186, MONDO:0012730, OMIM 611788.

Submission:

Labcorp Genetics (formerly Invitae), Labcorp
Classification: Uncertain significance for Aortic aneurysm, familial thoracic 6. Last evaluated: 2022-04-10. Review status: criteria provided, single submitter. Criteria: Invitae Variant Classification Sherloc (09022015). Collection method: clinical testing. Allele origin: germline.
Comment: This variant has not been reported in the literature in individuals affected with ACTA2-related conditions. In summary, the available evidence is currently insufficient to determine the role of this variant in disease. Therefore, it has been classified as a Variant of Uncertain Significance. Advanced modeling of protein sequence and biophysical properties (such as structural, functional, and spatial information, amino acid conservation, physicochemical variation, residue mobility, and thermodynamic stability) performed at Invitae indicates that this missense variant is expected to disrupt ACTA2 protein function. This variant is not present in population databases (gnomAD no frequency). This sequence change replaces aspartic acid, which is acidic and polar, with asparagine, which is neutral and polar, at codon 290 of the ACTA2 protein (p.Asp290Asn).

NM_001613.4(ACTA2):c.868G>A (p.Asp290Asn)

Genes: ACTA2-AS1 (ACTA2 antisense RNA 1; plus strand), ACTA2 (actin alpha 2, smooth muscle; minus strand). Cytogenetic location: 10q23.31.
Variant type: single nucleotide variant.
Coding change: c.868G>A on transcript NM_001613.4 (MANE Select); coding-DNA position 868, G replaced by A.
Protein change: p.Asp290Asn; replaces aspartic acid 290 with asparagine.
Molecular consequence: missense variant.
Genome position (GRCh38, 1-based): chr10:88,938,183, C>T on the plus strand (G>A on the coding strand, the complement: ACTA2 is on the minus strand). VCF-style: chr10-88938183-C-T. GRCh37 (hg19) VCF-style: chr10-90697940-C-T.
Other names: c.868G>A, p.Asp290Asn (NM_001141945.3, NM_001320855.2, NM_001406462.1 and 2 more transcripts); c.757G>A, p.Asp253Asn (NM_001406466.1); c.739G>A, p.Asp247Asn (NM_001406467.1, NM_001406468.1, NM_001406469.1); c.676G>A, p.Asp226Asn (NM_001406471.1); short protein forms D290N, D253N, D226N, D247N.
Identifiers: ClinVar variation 1380301 (VCV001380301.7), dbSNP rs2133246485, ClinGen allele CA377510909.